The following is an entry in ClinVar:

NM_001129.5(AEBP1):c.1151-10G>A

Gene: AEBP1 (AE binding protein 1; plus strand). Cytogenetic location: 7p13.
Variant type: single nucleotide variant.
Coding change: c.1151-10G>A on transcript NM_001129.5 (MANE Select); 10 bases into the intron before coding-DNA position 1151, G replaced by A.
Molecular consequence: intron variant.
Genome position (GRCh38, 1-based): chr7:44,110,005, G>A. VCF-style: chr7-44110005-G-A. GRCh37 (hg19) VCF-style: chr7-44149604-G-A.
Other names: p.?.
Identifiers: ClinVar variation 790589 (VCV000790589.15), dbSNP rs192857015, ClinGen allele CA4237794.

ClinVar aggregate classification (germline): Benign/Likely benign. Review status: criteria provided, multiple submitters, no conflicts (2 of 4 stars). 5 submissions from 5 submitters: Benign (2); Likely benign (3). Last evaluated 2026-04-06.

Allele frequency attached by ClinVar (database versions not stated): gnomAD exomes 0.00092; ExAC 0.00124; 1000 Genomes Project 0.00319; ESP Exome Variant Server 0.00331; 1000 Genomes Project 30x 0.00359; gnomAD 0.00386 and 0.00419; TOPMed 0.00432.
gnomAD v4.1: 1,114 of 1,607,786 alleles (0.069%); highest among the groups gnomAD compares: African/African-American, 1.2%; 5 homozygotes.

Submissions (5):

Women's Health and Genetics/Laboratory Corporation of America, LabCorp
Classification: Likely benign. Last evaluated: 2026-04-06. Review status: criteria provided, single submitter. Criteria: LabCorp Variant Classification Summary - May 2015. Collection method: clinical testing. Allele origin: germline.

Labcorp Genetics (formerly Invitae), Labcorp
Classification: Benign. Last evaluated: 2026-01-07. Review status: criteria provided, single submitter. Criteria: Invitae Variant Classification Sherloc (09022015). Collection method: clinical testing. Allele origin: germline.

Blueprint Genetics
Classification: Likely benign. Last evaluated: 2024-10-22. Review status: criteria provided, single submitter. Criteria: ACMG Guidelines, 2015. Collection method: clinical testing. Allele origin: germline.

Mayo Clinic Laboratories, Mayo Clinic
Classification: Benign. Last evaluated: 2024-08-30. Review status: criteria provided, single submitter. Criteria: ACMG Guidelines, 2015. Collection method: clinical testing. Allele origin: germline. Observed: 3 variant alleles.
Comment: BS1, BS2, BP4, BP7

GeneDx
Classification: Likely benign. Last evaluated: 2021-05-06. Review status: criteria provided, single submitter. Criteria: GeneDx Variant Classification Process June 2021. Collection method: clinical testing. Allele origin: germline. Affected: yes.